The following is an entry in ClinVar:

ClinVar aggregate classification (germline): Uncertain significance (1 of 4 stars; one submission).

Conditions:
Aicardi-Goutieres syndrome 6 (AGS6). Identifiers: Orphanet 51, MedGen C3539013, MONDO:0014007, OMIM 615010.
Symmetrical dyschromatosis of extremities (DSH). Also called: Dyschromatosis symmetrica hereditaria; DYSCHROMATOSIS SYMMETRICA HEREDITARIA 1; RETICULATE ACROPIGMENTATION OF DOHI; SYMMETRIC DYSCHROMATOSIS OF THE EXTREMITIES. Identifiers: Orphanet 41, MedGen C0406775, MONDO:0007483, OMIM 127400.

Submission:

Labcorp Genetics (formerly Invitae), Labcorp
Classification: Uncertain significance for Aicardi-Goutieres syndrome 6; Symmetrical dyschromatosis of extremities. Last evaluated: 2025-07-02. Review status: criteria provided, single submitter. Criteria: Invitae Variant Classification Sherloc (09022015). Collection method: clinical testing. Allele origin: germline.
Comment: This sequence change replaces isoleucine, which is neutral and non-polar, with threonine, which is neutral and polar, at codon 322 of the ADAR protein (p.Ile322Thr). This variant is not present in population databases (gnomAD no frequency). This variant has not been reported in the literature in individuals affected with ADAR-related conditions. Invitae Evidence Modeling of protein sequence and biophysical properties (such as structural, functional, and spatial information, amino acid conservation, physicochemical variation, residue mobility, and thermodynamic stability) indicates that this missense variant is not expected to disrupt ADAR protein function with a negative predictive value of 80%. In summary, the available evidence is currently insufficient to determine the role of this variant in disease. Therefore, it has been classified as a Variant of Uncertain Significance.

NM_001111.5(ADAR):c.965T>C (p.Ile322Thr)

Gene: ADAR (adenosine deaminase RNA specific; minus strand). Cytogenetic location: 1q21.3.
Variant type: single nucleotide variant.
Coding change: c.965T>C on transcript NM_001111.5 (MANE Select); coding-DNA position 965, T replaced by C.
Protein change: p.Ile322Thr; replaces isoleucine 322 with threonine.
Molecular consequence: missense variant.
Genome position (GRCh38, 1-based): chr1:154,601,677, A>G on the plus strand (T>C on the coding strand, the complement: ADAR is on the minus strand). VCF-style: chr1-154601677-A-G. GRCh37 (hg19) VCF-style: chr1-154574153-A-G.
Other names: c.80T>C, p.Ile27Thr (NM_001025107.3, NM_001193495.2, NM_001365046.1 and 3 more transcripts); c.992T>C, p.Ile331Thr (NM_001365045.1); c.965T>C, p.Ile322Thr (NM_015840.4, NM_015841.4); short protein forms I322T, I27T, I331T.
Identifiers: ClinVar variation 4783070 (VCV004783070.1).